The following is an entry in ClinVar:

ClinVar aggregate classification (germline): Uncertain significance (1 of 4 stars; one submission).

gnomAD v4.1: 1 of 1,613,768 alleles (0.000062%); highest among the groups gnomAD compares: East Asian, 0.0022%; no homozygotes.

Submission:

Women's Health and Genetics/Laboratory Corporation of America, LabCorp
Classification: Uncertain significance. Last evaluated: 2025-07-03. Review status: criteria provided, single submitter. Criteria: LabCorp Variant Classification Summary - May 2015. Collection method: clinical testing. Allele origin: germline.
Comment: Variant summary: NBAS c.6694C>G (p.Gln2232Glu) results in a conservative amino acid change in the encoded protein sequence. Algorithms developed to predict the effect of missense changes on protein structure and function all suggest that this variant is likely to be tolerated. The variant allele was found at a frequency of 4e-06 in 251362 control chromosomes. The available data on variant occurrences in the general population are insufficient to allow any conclusion about variant significance. c.6694C>G has been observed in an individual affected with Hemophagocytic lymphohistiocytosis (Bi_2022). These report(s) do not provide unequivocal conclusions about association of the variant with Liver Failure Acute Infantile, Type 2. To our knowledge, no experimental evidence demonstrating an impact on protein function has been reported. The following publication have been ascertained in the context of this evaluation (PMID: 35902954). No submitters have cited clinical-significance assessments for this variant to ClinVar. Based on the evidence outlined above, the variant was classified as uncertain significance.

Literature cited by the submitters: PubMed 35902954.

NM_015909.4(NBAS):c.6694C>G (p.Gln2232Glu)

Gene: NBAS (NBAS subunit of NRZ tethering complex; minus strand). Cytogenetic location: 2p24.3.
Variant type: single nucleotide variant.
Coding change: c.6694C>G on transcript NM_015909.4 (MANE Select); coding-DNA position 6694, C replaced by G.
Protein change: p.Gln2232Glu; replaces glutamine 2232 with glutamic acid.
Molecular consequence: missense variant. On other transcripts: non-coding transcript variant (1).
Genome position (GRCh38, 1-based): chr2:15,186,759, G>C on the plus strand (C>G on the coding strand, the complement: NBAS is on the minus strand). VCF-style: chr2-15186759-G-C. GRCh37 (hg19) VCF-style: chr2-15326883-G-C.
Other names: short protein forms Q2232E.
Identifiers: ClinVar variation 3911938 (VCV003911938.2).